The following is an entry in ClinVar:

NM_032228.6(FAR1):c.150G>C (p.Gln50His)

Gene: FAR1 (fatty acyl-CoA reductase 1; plus strand). Cytogenetic location: 11p15.3.
Variant type: single nucleotide variant.
Coding change: c.150G>C on transcript NM_032228.6 (MANE Select); coding-DNA position 150, G replaced by C.
Protein change: p.Gln50His; replaces glutamine 50 with histidine.
Molecular consequence: missense variant.
Genome position (GRCh38, 1-based): chr11:13,694,915, G>C. VCF-style: chr11-13694915-G-C. GRCh37 (hg19) VCF-style: chr11-13716462-G-C.
Other names: c.150G>C, p.Gln50His (NM_001441242.1, NM_001441243.1, NM_001441244.1 and 6 more transcripts); short protein forms Q50H.
Identifiers: ClinVar variation 4805096 (VCV004805096.1).

ClinVar aggregate classification (germline): Uncertain significance (1 of 4 stars; one submission).

gnomAD v4.1: 5 of 1,613,804 alleles (0.00031%); highest among the groups gnomAD compares: East Asian, 0.0067%; no homozygotes.

Submission:

Labcorp Genetics (formerly Invitae), Labcorp
Classification: Uncertain significance. Last evaluated: 2025-10-04. Review status: criteria provided, single submitter. Criteria: Invitae Variant Classification Sherloc (09022015). Collection method: clinical testing. Allele origin: germline.
Comment: This sequence change replaces glutamine, which is neutral and polar, with histidine, which is basic and polar, at codon 50 of the FAR1 protein (p.Gln50His). This variant is present in population databases (rs779466538, gnomAD 0.006%). This variant has not been reported in the literature in individuals affected with FAR1-related conditions. Invitae Evidence Modeling of protein sequence and biophysical properties (such as structural, functional, and spatial information, amino acid conservation, physicochemical variation, residue mobility, and thermodynamic stability) indicates that this missense variant is not expected to disrupt FAR1 protein function with a negative predictive value of 80%. In summary, the available evidence is currently insufficient to determine the role of this variant in disease. Therefore, it has been classified as a Variant of Uncertain Significance.